The following is an entry in ClinVar:

NM_177924.5(ASAH1):c.125+1959G>A

Gene: ASAH1 (N-acylsphingosine amidohydrolase 1; minus strand). Cytogenetic location: 8p22.
Variant type: single nucleotide variant.
Coding change: c.125+1959G>A on transcript NM_177924.5 (MANE Select); 1959 bases into the intron after coding-DNA position 125, G replaced by A.
Molecular consequence: intron variant.
Genome position (GRCh38, 1-based): chr8:18,073,582, C>T on the plus strand (G>A on the coding strand, the complement: ASAH1 is on the minus strand). VCF-style: chr8-18073582-C-T. GRCh37 (hg19) VCF-style: chr8-17931091-C-T.
Other names: c.173+1959G>A (NM_004315.6); c.174-306G>A (NM_001127505.3); c.-71+1959G>A (NM_001363743.2).
Identifiers: ClinVar variation 672022 (VCV000672022.1), dbSNP rs3753117, ClinGen allele CA12754797.

ClinVar aggregate classification (germline): Benign (1 of 4 stars; one submission).

Allele frequency attached by ClinVar (database versions not stated): 1000 Genomes Project 0.41693; 1000 Genomes Project 30x 0.41693; gnomAD 0.42257 and 0.42707; TOPMed 0.43282.
gnomAD v4.1: 65,125 of 152,018 alleles (43%); highest among the groups gnomAD compares: Admixed American, 53%; 14,844 homozygotes.

Submission:

GeneDx
Classification: Benign. Last evaluated: 2018-06-19. Review status: criteria provided, single submitter. Criteria: GeneDx Variant Classification (06012015). Collection method: clinical testing. Allele origin: germline. Affected: yes.
Comment: This variant is considered likely benign or benign based on one or more of the following criteria: it is a conservative change, it occurs at a poorly conserved position in the protein, it is predicted to be benign by multiple in silico algorithms, and/or has population frequency not consistent with disease.